The following is an entry in ClinVar:

NC_000021.8:g.(?_46306283)_(47865240_?)del

Genes: ADARB1 (adenosine deaminase RNA specific B1; plus strand), C21orf58 (chromosome 21 open reading frame 58; minus strand), COL18A1 (collagen type XVIII alpha 1 chain; plus strand), COL6A1 (collagen type VI alpha 1 chain; plus strand), COL6A2 (collagen type VI alpha 2 chain; plus strand) and 14 more. Cytogenetic location: 21q22.3.
Variant type: Deletion.
Identifiers: ClinVar variation 1412950 (VCV001412950.4).

ClinVar aggregate classification (germline): Uncertain significance (1 of 4 stars; one submission).

Submission:

Labcorp Genetics (formerly Invitae), Labcorp
Classification: Uncertain significance. Last evaluated: 2021-10-22. Review status: criteria provided, single submitter. Criteria: Invitae Variant Classification Sherloc (09022015). Collection method: clinical testing. Allele origin: germline.
Comment: A gross deletion of the genomic region encompassing the full coding sequence of the SLC19A1 gene has been identified. The current clinical and genetic evidence is not sufficient to establish whether loss-of-function variants in SLC19A1 cause disease. The boundaries of this event are unknown as they extend beyond the assayed region for this gene and therefore may encompass additional genes. This variant has not been reported in the literature in individuals with SLC19A1-related conditions. In summary, the available evidence is currently insufficient to determine the role of this variant in disease. Therefore, it has been classified as a Variant of Uncertain Significance.